The following is an entry in ClinVar:

NM_004006.3(DMD):c.597A>C (p.Ala199=)

Gene: DMD (dystrophin; minus strand). Cytogenetic location: Xp21.1.
Variant type: single nucleotide variant.
Coding change: c.597A>C on transcript NM_004006.3 (MANE Select); coding-DNA position 597, A replaced by C.
Protein change: p.Ala199=; no amino-acid change (alanine 199 retained).
Molecular consequence: synonymous variant.
Genome position (GRCh38, 1-based): chrX:32,809,545, T>G on the plus strand (A>C on the coding strand, the complement: DMD is on the minus strand). VCF-style: chrX-32809545-T-G. GRCh37 (hg19) VCF-style: chrX-32827662-T-G.
Other names: c.573A>C, p.Ala191= (NM_000109.4); c.585A>C, p.Ala195= (NM_004009.3); c.228A>C, p.Ala76= (NM_004010.3).
Identifiers: ClinVar variation 766423 (VCV000766423.14), dbSNP rs918198867, ClinGen allele CA328573454.

ClinVar aggregate classification (germline): Likely benign. Review status: criteria provided, multiple submitters, no conflicts (2 of 4 stars). 4 submissions from 4 submitters: Likely benign (3). 1 of the submissions does not count toward it. Last evaluated 2026-03-27.

Conditions:
Duchenne muscular dystrophy (DMD). Also called: Duchenne Muscular Dystrophy (DMD); MUSCULAR DYSTROPHY, PSEUDOHYPERTROPHIC PROGRESSIVE, DUCHENNE TYPE. Identifiers: Orphanet 98896, MedGen C0013264, MONDO:0010679, OMIM 310200.
DMD-related disorder. Also called: DMD-related condition.
Cardiovascular phenotype. Identifiers: MedGen CN230736.

Allele frequency attached by ClinVar (database versions not stated): gnomAD 0.00001; TOPMed 0.00003.
gnomAD v4.1: 1 of 1,209,334 alleles (0.000083%); highest among the groups gnomAD compares: African/African-American, 0.0018%; no homozygotes.

Submissions (4):

Molecular Diagnostic Laboratory for Inherited Cardiovascular Disease, Montreal Heart Institute
Classification: Likely benign. Last evaluated: 2026-03-27. Review status: criteria provided, single submitter. Criteria: ACMG Guidelines, 2015. Collection method: clinical testing. Allele origin: germline. Affected: no.

Labcorp Genetics (formerly Invitae), Labcorp
Classification: Likely benign for Duchenne muscular dystrophy. Last evaluated: 2024-02-23. Review status: criteria provided, single submitter. Criteria: Invitae Variant Classification Sherloc (09022015). Collection method: clinical testing. Allele origin: germline.

Ambry Genetics
Classification: Likely benign for Cardiovascular phenotype. Last evaluated: 2023-03-03. Review status: criteria provided, single submitter. Criteria: Ambry Variant Classification Scheme 2023. Collection method: clinical testing. Allele origin: germline.

PreventionGenetics, part of Exact Sciences
Classification: Likely benign for DMD-related condition. Last evaluated: 2021-10-05. Review status: no assertion criteria provided. Collection method: clinical testing. Allele origin: germline. Not counted in ClinVar's aggregate classification.
Comment: This variant is classified as likely benign based on ACMG/AMP sequence variant interpretation guidelines (Richards et al. 2015 PMID: 25741868, with internal and published modifications).